The following is an entry in ClinVar:

ClinVar aggregate classification (germline): Likely benign (1 of 4 stars; one submission).

Allele frequency attached by ClinVar (database versions not stated): ExAC 0.00008; gnomAD 0.00008; TOPMed 0.00019; 1000 Genomes Project 0.00026; 1000 Genomes Project 30x 0.00042.
gnomAD v4.1: 49 of 1,209,243 alleles (0.0041%); highest among the groups gnomAD compares: Middle Eastern, 0.069%; no homozygotes.

Submission:

CeGaT Center for Human Genetics Tuebingen
Classification: Likely benign. Last evaluated: 2022-07-01. Review status: criteria provided, single submitter. Criteria: CeGaT Center For Human Genetics Tuebingen Variant Classification Criteria Version 2. Collection method: clinical testing. Allele origin: germline. Affected: yes. Observed: 1 variant allele.
Comment: HDAC6: BP4, BS2

NM_006044.4(HDAC6):c.2597G>A (p.Arg866Gln)

Gene: HDAC6 (histone deacetylase 6; plus strand). Cytogenetic location: Xp11.23.
Variant type: single nucleotide variant.
Coding change: c.2597G>A on transcript NM_006044.4 (MANE Select); coding-DNA position 2597, G replaced by A.
Protein change: p.Arg866Gln; replaces arginine 866 with glutamine.
Molecular consequence: missense variant. On other transcripts: non-coding transcript variant (1).
Genome position (GRCh38, 1-based): chrX:48,822,996, G>A. VCF-style: chrX-48822996-G-A. GRCh37 (hg19) VCF-style: chrX-48681406-G-A.
Other names: c.2639G>A, p.Arg880Gln (NM_001321225.2); c.2597G>A, p.Arg866Gln (NM_001321226.2, NM_001321227.2, NM_001321228.2 and 1 more transcripts); short protein forms R866Q, R880Q.
Identifiers: ClinVar variation 2660473 (VCV002660473.24), dbSNP rs200639202, ClinGen allele CA10405299.
Genomic context (GRCh38, chrX:48,822,996, plus strand): 5'-CCAGTTCTAAGTTGGTCACCAAGAAGGCACCCCAACCAGCCAAACCTAGGTTAGCTGAGC[G>A]GATGACCACACGAGAAAAGAAGGTTCTGGAAGCAGGCATGGGGAAAGTCACCTCGGCATC-3'
Protein context (NP_006035.2, residues 856-876): PQPAKPRLAE[Arg866Gln]MTTREKKVLE